The following is an entry in ClinVar:

ClinVar aggregate classification (germline): Likely benign (0 of 4 stars; one submission).

Conditions:
CRB2-related disorder. Also called: CRB2-related condition; CRB2-related disorders.

Allele frequency attached by ClinVar (database versions not stated): gnomAD 0.00002; gnomAD exomes 0.00002; TOPMed 0.00002.
gnomAD v4.1: 35 of 1,604,742 alleles (0.0022%); highest among the groups gnomAD compares: Non-Finnish European, 0.0029%; no homozygotes.

Submission:

PreventionGenetics, part of Exact Sciences
Classification: Likely benign for CRB2-related condition. Last evaluated: 2019-03-04. Review status: no assertion criteria provided. Collection method: clinical testing. Allele origin: germline.
Comment: This variant is classified as likely benign based on ACMG/AMP sequence variant interpretation guidelines (Richards et al. 2015 PMID: 25741868, with internal and published modifications).

NM_173689.7(CRB2):c.2208C>T (p.Asp736=)

Gene: CRB2 (crumbs cell polarity complex component 2; plus strand). Cytogenetic location: 9q33.3.
Variant type: single nucleotide variant.
Coding change: c.2208C>T on transcript NM_173689.7 (MANE Select); coding-DNA position 2208, C replaced by T.
Protein change: p.Asp736=; no amino-acid change (aspartic acid 736 retained).
Molecular consequence: synonymous variant. On other transcripts: non-coding transcript variant (1).
Genome position (GRCh38, 1-based): chr9:123,371,350, C>T. VCF-style: chr9-123371350-C-T. GRCh37 (hg19) VCF-style: chr9-126133629-C-T.
Identifiers: ClinVar variation 3047146 (VCV003047146.2), dbSNP rs1348716749, ClinGen allele CA467205907.